The following is an entry in ClinVar:

ClinVar aggregate classification (germline): Pathogenic (1 of 4 stars; one submission).

Conditions:
Duchenne muscular dystrophy (DMD). Also called: Duchenne Muscular Dystrophy (DMD); MUSCULAR DYSTROPHY, PSEUDOHYPERTROPHIC PROGRESSIVE, DUCHENNE TYPE. Identifiers: Orphanet 98896, MedGen C0013264, MONDO:0010679, OMIM 310200.

Submission:

Labcorp Genetics (formerly Invitae), Labcorp
Classification: Pathogenic for Duchenne muscular dystrophy. Last evaluated: 2025-01-01. Review status: criteria provided, single submitter. Criteria: Invitae Variant Classification Sherloc (09022015). Collection method: clinical testing. Allele origin: germline.
Comment: This sequence change creates a premature translational stop signal (p.Leu1900*) in the DMD gene. It is expected to result in an absent or disrupted protein product. Loss-of-function variants in DMD are known to be pathogenic (PMID: 16770791, 25007885). This variant is not present in population databases (gnomAD no frequency). This premature translational stop signal has been observed in individual(s) with Duchenne muscular dystrophy (PMID: 34106991). Algorithms developed to predict the effect of sequence changes on RNA splicing suggest that this variant may disrupt the consensus splice site. For these reasons, this variant has been classified as Pathogenic.

Literature cited by the submitters: PubMed 16770791; PubMed 25007885; PubMed 34106991.

NM_004006.3(DMD):c.5699del (p.Lys1899_Leu1900insTer)

Gene: DMD (dystrophin; minus strand). Cytogenetic location: Xp21.1.
Variant type: Deletion.
Coding change: c.5699del on transcript NM_004006.3 (MANE Select); coding-DNA position 5699, one base deleted (T; older notation c.5699delT).
Protein change: p.Lys1899_Leu1900insTer.
Molecular consequence: nonsense.
Genome position (GRCh38, 1-based): chrX:32,343,174, A deleted on the plus strand (T on the coding strand, the reverse complement: DMD is on the minus strand); the first of 2 consecutive A bases (chrX:32,343,174-32,343,175); deleting either gives the same sequence. VCF-style (leftmost placement, unchanged base first): chrX-32343173-TA-T. GRCh37 (hg19) VCF-style: chrX-32361290-TA-T.
Other names: c.5675del, p.Lys1891_Leu1892insTer (NM_000109.4); c.5687del, p.Lys1895_Leu1896insTer (NM_004009.3); c.5330del, p.Lys1776_Leu1777insTer (NM_004010.3); c.1676del, p.Lys558_Leu559insTer (NM_004011.4); c.1667del, p.Lys555_Leu556insTer (NM_004012.4).
Identifiers: ClinVar variation 3728454 (VCV003728454.2).